The following is an entry in ClinVar:

ClinVar aggregate classification (germline): Uncertain significance (1 of 4 stars; one submission).

gnomAD v4.1: 10 of 1,612,604 alleles (0.00062%); highest among the groups gnomAD compares: African/African-American, 0.004%; no homozygotes.

Submission:

Ambry Genetics
Classification: Uncertain significance. Last evaluated: 2026-07-19. Review status: criteria provided, single submitter. Criteria: Ambry Variant Classification Scheme 2023. Collection method: clinical testing. Allele origin: germline.
Comment: The c.541A>G (p.I181V) alteration is located in exon 5 (coding exon 4) of the FMO1 gene. This alteration results from a A to G substitution at nucleotide position 541, causing the isoleucine (I) at amino acid position 181 to be replaced by a valine (V). Based on data from gnomAD, the G allele has an overall frequency of <0.001% (1/250746) total alleles studied. The highest observed frequency was 0.001% (1/113254) of European (non-Finnish) alleles. Based on insufficient or conflicting evidence, the clinical significance of this alteration remains unclear.

NM_001282693.2(FMO1):c.541A>G (p.Ile181Val)

Gene: FMO1 (flavin containing dimethylaniline monoxygenase 1; plus strand). Cytogenetic location: 1q24.3.
Variant type: single nucleotide variant.
Coding change: c.541A>G on transcript NM_001282693.2 (MANE Select); coding-DNA position 541, A replaced by G.
Protein change: p.Ile181Val; replaces isoleucine 181 with valine.
Molecular consequence: missense variant.
Genome position (GRCh38, 1-based): chr1:171,278,785, A>G. VCF-style: chr1-171278785-A-G. GRCh37 (hg19) VCF-style: chr1-171247924-A-G.
Other names: c.352A>G, p.Ile118Val (NM_001282694.2); c.541A>G, p.Ile181Val (NM_002021.3); c.553A>G, p.Ile185Val (NM_001282692.1); short protein forms I118V, I181V, I185V.
Identifiers: ClinVar variation 5021987 (VCV005021987.1).